The following is an entry in ClinVar:

NM_024426.6(WT1):c.305G>C (p.Ser102Thr)

Genes: WT1 (WT1 transcription factor; minus strand), LOC107982234 (WT1/WT1-AS bi-directional promoter region; plus strand). Cytogenetic location: 11p13.
Variant type: single nucleotide variant.
Coding change: c.305G>C on transcript NM_024426.6 (MANE Select); coding-DNA position 305, G replaced by C.
Protein change: p.Ser102Thr; replaces serine 102 with threonine.
Molecular consequence: missense variant. On other transcripts: non-coding transcript variant (2).
Genome position (GRCh38, 1-based): chr11:32,435,056, C>G on the plus strand (G>C on the coding strand, the complement: WT1 is on the minus strand). VCF-style: chr11-32435056-C-G. GRCh37 (hg19) VCF-style: chr11-32456602-C-G.
Other names: c.305G>C, p.Ser102Thr (NM_000378.6, NM_001407044.1, NM_001407045.1 and 6 more transcripts); c.290G>C, p.Ser97Thr (NM_024425.2); short protein forms S102T, S97T.
Identifiers: ClinVar variation 2576875 (VCV002576875.2), dbSNP rs1210117032, ClinGen allele CA379965965.
Genomic context (GRCh38, chr11:32,435,056, plus strand): 5'-CCGTAAGCCGAAGCGCCCGGGGGCGCAAAGTCCAGCACCGGCGCCCACTGCGCCGCGCCG[C>G]TCACAGGCAGGGCACAGCCGCCGCCGCCACCCAGGGAGGGGACGGCGGGCAGCAGCGCGT-3'
Protein context (NP_077744.4, residues 92-112): GGGGGCALPV[Ser102Thr]GAAQWAPVLD

ClinVar aggregate classification (germline): Uncertain significance. Review status: criteria provided, multiple submitters, no conflicts (2 of 4 stars). 2 submissions from 2 submitters: Uncertain significance (2). Last evaluated 2025-01-01.

Conditions:
Inborn genetic diseases. Identifiers: MedGen C0950123, MeSH D030342.

Allele frequency attached by ClinVar (database versions not stated): gnomAD exomes below 0.00001.
gnomAD v4.1: 1 of 1,470,160 alleles (0.000068%); highest among the groups gnomAD compares: Non-Finnish European, 0.000089%; no homozygotes.

Submissions (2):

Ambry Genetics
Classification: Uncertain significance for Inborn genetic diseases. Last evaluated: 2025-01-01. Review status: criteria provided, single submitter. Criteria: Ambry Variant Classification Scheme 2023. Collection method: clinical testing. Allele origin: germline.
Comment: The p.S97T variant (also known as c.290G>C), located in coding exon 1 of the WT1 gene, results from a G to C substitution at nucleotide position 290. The serine at codon 97 is replaced by threonine, an amino acid with similar properties. This amino acid position is conserved. In addition, this alteration is predicted to be tolerated by in silico analysis. Based on the available evidence, the clinical significance of this variant remains unclear.

GeneDx
Classification: Uncertain significance. Last evaluated: 2023-02-16. Review status: criteria provided, single submitter. Criteria: GeneDx Variant Classification Process June 2021. Collection method: clinical testing. Allele origin: germline. Affected: yes.
Comment: Not observed at significant frequency in large population cohorts (gnomAD); In silico analysis supports that this missense variant does not alter protein structure/function; Has not been previously published as pathogenic or benign to our knowledge; This variant is associated with the following publications: (PMID: 8486616)